The following is an entry in ClinVar:

ClinVar aggregate classification (germline): Benign (1 of 4 stars; one submission).

Conditions:
Childhood apraxia of speech (SPCH1). Also called: FOXP2-Related Speech and Language Disorder; DEVELOPMENTAL VERBAL DYSPRAXIA; SPEECH AND LANGUAGE DISORDER WITH OROFACIAL DYSPRAXIA; Speech language disorder. Identifiers: Orphanet 209908, MedGen C0750927, MONDO:0011184, OMIM 602081.

Allele frequency attached by ClinVar (database versions not stated): gnomAD exomes 0.00013 and 0.00020; ExAC 0.00028; gnomAD 0.00090 and 0.00094; 1000 Genomes Project 30x 0.00109; TOPMed 0.00109; 1000 Genomes Project 0.00120.
gnomAD v4.1: 175 of 453,832 alleles (0.039%); highest among the groups gnomAD compares: African/African-American, 0.32%; no homozygotes.

Submission:

Illumina Laboratory Services, Illumina
Classification: Benign for Childhood apraxia of speech. Last evaluated: 2018-01-13. Review status: criteria provided, single submitter. Criteria: ICSL Variant Classification Criteria 13 December 2019. Collection method: clinical testing. Allele origin: germline.
Comment: This variant was observed in the ICSL laboratory as part of a predisposition screen in an ostensibly healthy population. It had not been previously curated by ICSL or reported in the Human Gene Mutation Database (HGMD: prior to June 1st, 2018), and was therefore a candidate for classification through an automated scoring system. Utilizing variant allele frequency, disease prevalence and penetrance estimates, and inheritance mode, an automated score was calculated to assess if this variant is too frequent to cause the disease. Based on the score and internal cut-off values, a variant classified as benign is not then subjected to further curation. The score for this variant resulted in a classification of benign for this disease.

NM_014491.4(FOXP2):c.*2571C>T

Gene: FOXP2 (forkhead box P2; plus strand). Cytogenetic location: 7q31.1.
Variant type: single nucleotide variant.
Coding change: c.*2571C>T on transcript NM_014491.4 (MANE Select); 2571 bases downstream of the stop codon, C replaced by T.
Molecular consequence: 3 prime UTR variant. On other transcripts: non-coding transcript variant (2).
Genome position (GRCh38, 1-based): chr7:114,692,497, C>T. VCF-style: chr7-114692497-C-T. GRCh37 (hg19) VCF-style: chr7-114332552-C-T.
Other names: c.*2571C>T (NM_001172766.3, NM_148898.4, NM_148900.4).
Identifiers: ClinVar variation 908974 (VCV000908974.4), dbSNP rs575232403, ClinGen allele CA4446473.